The following is an entry in ClinVar:

NM_000059.4(BRCA2):c.10171A>G (p.Ile3391Val)

Gene: BRCA2 (BRCA2 DNA repair associated; plus strand). Cytogenetic location: 13q13.1.
Variant type: single nucleotide variant.
Coding change: c.10171A>G on transcript NM_000059.4 (MANE Select); coding-DNA position 10171, A replaced by G.
Protein change: p.Ile3391Val; replaces isoleucine 3391 with valine.
Molecular consequence: missense variant.
Genome position (GRCh38, 1-based): chr13:32,398,684, A>G. VCF-style: chr13-32398684-A-G. GRCh37 (hg19) VCF-style: chr13-32972821-A-G.
Other names: short protein forms I3391V.
Identifiers: ClinVar variation 221089 (VCV000221089.15), dbSNP rs778147500, ClinGen allele CA350207.

ClinVar aggregate classification (germline): Conflicting classifications of pathogenicity. Review status: criteria provided, conflicting classifications (1 of 4 stars). 4 submissions from 4 submitters: Uncertain significance (2); Likely benign (2). Last evaluated 2025-12-30.

Conditions:
Hereditary cancer-predisposing syndrome. Also called: Hereditary neoplastic syndrome; Tumor predisposition; Hereditary Cancer Syndrome; Neoplastic Syndromes, Hereditary. Identifiers: Orphanet 140162, MedGen C0027672, MeSH D009386, MONDO:0015356.
Hereditary breast ovarian cancer syndrome. Also called: BRCA1- and BRCA2-Associated Hereditary Breast and Ovarian Cancer; Hereditary breast and ovarian cancer syndrome (HBOC); Hereditary breast and/or ovarian cancer syndrome; Hereditary breast and ovarian cancer syndrome; Hereditary breast and ovarian cancer; Breast and ovarian cancer. Identifiers: Orphanet 145, MedGen C0677776, MeSH D061325, MONDO:0003582. Disease mechanism: loss of function.

Allele frequency attached by ClinVar (database versions not stated): gnomAD exomes below 0.00001.
gnomAD v4.1: 3 of 1,614,188 alleles (0.00019%); highest among the groups gnomAD compares: Non-Finnish European, 0.00025%; no homozygotes.

Submissions (4):

Labcorp Genetics (formerly Invitae), Labcorp
Classification: Uncertain significance for Hereditary breast ovarian cancer syndrome. Last evaluated: 2025-12-30. Review status: criteria provided, single submitter. Criteria: Invitae Variant Classification Sherloc (09022015). Collection method: clinical testing. Allele origin: germline.
Comment: This sequence change replaces isoleucine, which is neutral and non-polar, with valine, which is neutral and non-polar, at codon 3391 of the BRCA2 protein (p.Ile3391Val). This variant is not present in population databases (gnomAD no frequency). This variant has not been reported in the literature in individuals affected with BRCA2-related conditions. ClinVar contains an entry for this variant (Variation ID: 221089). Invitae Evidence Modeling of protein sequence and biophysical properties (such as structural, functional, and spatial information, amino acid conservation, physicochemical variation, residue mobility, and thermodynamic stability) indicates that this missense variant is not expected to disrupt BRCA2 protein function with a negative predictive value of 95%. In summary, the available evidence is currently insufficient to determine the role of this variant in disease. Therefore, it has been classified as a Variant of Uncertain Significance.

Ambry Genetics
Classification: Likely benign for Hereditary cancer-predisposing syndrome. Last evaluated: 2021-06-23. Review status: criteria provided, single submitter. Criteria: Ambry Variant Classification Scheme 2023. Collection method: clinical testing. Allele origin: germline.

Color Diagnostics, LLC DBA Color Health
Classification: Uncertain significance for Hereditary cancer-predisposing syndrome. Last evaluated: 2019-01-02. Review status: criteria provided, single submitter. Criteria: ACMG Guidelines, 2015. Collection method: clinical testing. Allele origin: germline.

GeneDx
Classification: Likely benign. Last evaluated: 2015-09-03. Review status: criteria provided, single submitter. Criteria: GeneDx Variant Classification (06012015). Collection method: clinical testing. Allele origin: germline. Affected: yes.
Comment: This variant is considered likely benign or benign based on one or more of the following criteria: it is a conservative change, it occurs at a poorly conserved position in the protein, it is predicted to be benign by multiple in silico algorithms, and/or has population frequency not consistent with disease.